The following is an entry in ClinVar:

NM_001401501.2(MUC16):c.35593C>T (p.Leu11865=)

Gene: MUC16 (mucin 16, cell surface associated; minus strand). Cytogenetic location: 19p13.2.
Variant type: single nucleotide variant.
Coding change: c.35593C>T on transcript NM_001401501.2 (MANE Select); coding-DNA position 35593, C replaced by T.
Protein change: p.Leu11865=; no amino-acid change (leucine 11865 retained).
Molecular consequence: synonymous variant.
Genome position (GRCh38, 1-based): chr19:8,935,482, G>A on the plus strand (C>T on the coding strand, the complement: MUC16 is on the minus strand). VCF-style: chr19-8935482-G-A. GRCh37 (hg19) VCF-style: chr19-9046158-G-A.
Other names: c.36019C>T, p.Leu12007= (NM_001414686.1); c.35473C>T, p.Leu11825= (NM_001414687.1, NM_024690.2).
Identifiers: ClinVar variation 3035391 (VCV003035391.2), dbSNP rs529033392, ClinGen allele CA9166024.

ClinVar aggregate classification (germline): Likely benign (0 of 4 stars; one submission).

Conditions:
MUC16-related disorder. Also called: MUC16-related condition.

Allele frequency attached by ClinVar (database versions not stated): gnomAD exomes 0.00004; TOPMed 0.00005; gnomAD 0.00007; 1000 Genomes Project 0.00020; ExAC 0.00021; 1000 Genomes Project 30x 0.00031.

Submission:

PreventionGenetics, part of Exact Sciences
Classification: Likely benign for MUC16-related condition. Last evaluated: 2019-07-30. Review status: no assertion criteria provided. Collection method: clinical testing. Allele origin: germline.
Comment: This variant is classified as likely benign based on ACMG/AMP sequence variant interpretation guidelines (Richards et al. 2015 PMID: 25741868, with internal and published modifications).